The following is an entry in ClinVar:

ClinVar aggregate classification (germline): Likely benign. Review status: criteria provided, multiple submitters, no conflicts (2 of 4 stars). 2 submissions from 2 submitters: Likely benign (2). Last evaluated 2025-11-06.

Conditions:
Combined immunodeficiency due to DOCK8 deficiency (HIES2). Also called: HYPER-IgE RECURRENT INFECTION SYNDROME 2, AUTOSOMAL RECESSIVE; DOCK8 Deficiency; HIES autosomal recessive; Hyper-IgE recurrent infection syndrome, autosomal recessive; HYPER-IgE SYNDROME 2, AUTOSOMAL RECESSIVE, WITH RECURRENT INFECTIONS. Identifiers: Orphanet 217390, MedGen C4722305, MONDO:0009478, OMIM 243700.

Allele frequency attached by ClinVar (database versions not stated): ExAC 0.00002; gnomAD exomes 0.00004 and 0.00012; gnomAD 0.00008 and 0.00009; TOPMed 0.00012.
gnomAD v4.1: 189 of 1,614,030 alleles (0.012%); highest among the groups gnomAD compares: Non-Finnish European, 0.015%; 1 homozygote.

Submissions (2):

Labcorp Genetics (formerly Invitae), Labcorp
Classification: Likely benign for Combined immunodeficiency due to DOCK8 deficiency. Last evaluated: 2025-11-06. Review status: criteria provided, single submitter. Criteria: Invitae Variant Classification Sherloc (09022015). Collection method: clinical testing. Allele origin: germline.

CeGaT Center for Human Genetics Tuebingen
Classification: Likely benign. Last evaluated: 2023-02-01. Review status: criteria provided, single submitter. Criteria: CeGaT Center For Human Genetics Tuebingen Variant Classification Criteria Version 2. Collection method: clinical testing. Allele origin: germline. Affected: yes. Observed: 1 variant allele.
Comment: DOCK8: BP4, BP7

NM_203447.4(DOCK8):c.1824T>A (p.Pro608=)

Gene: DOCK8 (dedicator of cytokinesis 8; plus strand). Cytogenetic location: 9p24.3.
Variant type: single nucleotide variant.
Coding change: c.1824T>A on transcript NM_203447.4 (MANE Select); coding-DNA position 1824, T replaced by A.
Protein change: p.Pro608=; no amino-acid change (proline 608 retained).
Molecular consequence: synonymous variant.
Genome position (GRCh38, 1-based): chr9:370,256, T>A. VCF-style: chr9-370256-T-A. GRCh37 (hg19) VCF-style: chr9-370256-T-A.
Other names: c.1620T>A, p.Pro540= (NM_001190458.2, NM_001193536.2).
Identifiers: ClinVar variation 729963 (VCV000729963.34), dbSNP rs749361649, ClinGen allele CA4957961.